The following is an entry in ClinVar:

ClinVar aggregate classification (germline): Uncertain significance (1 of 4 stars; one submission).

Allele frequency attached by ClinVar (database versions not stated): gnomAD 0.00001; gnomAD exomes 0.00001; ExAC 0.00002; TOPMed 0.00002; ESP Exome Variant Server 0.00008.
gnomAD v4.1: 12 of 1,533,788 alleles (0.00078%); highest among the groups gnomAD compares: Admixed American, 0.0021%; no homozygotes.

Submission:

Labcorp Genetics (formerly Invitae), Labcorp
Classification: Uncertain significance. Last evaluated: 2025-08-22. Review status: criteria provided, single submitter. Criteria: Invitae Variant Classification Sherloc (09022015). Collection method: clinical testing. Allele origin: germline.
Comment: This sequence change replaces valine, which is neutral and non-polar, with methionine, which is neutral and non-polar, at codon 233 of the ARHGEF1 protein (p.Val233Met). The frequency data for this variant in the population databases is considered unreliable, as metrics indicate poor data quality at this position in the gnomAD database. This variant has not been reported in the literature in individuals affected with ARHGEF1-related conditions. ClinVar contains an entry for this variant (Variation ID: 2415800). An algorithm developed to predict the effect of missense changes on protein structure and function (PolyPhen-2) suggests that this variant is likely to be disruptive. In summary, the available evidence is currently insufficient to determine the role of this variant in disease. Therefore, it has been classified as a Variant of Uncertain Significance.

NM_004706.4(ARHGEF1):c.652G>A (p.Val218Met)

Gene: ARHGEF1 (Rho guanine nucleotide exchange factor 1; plus strand). Cytogenetic location: 19q13.2.
Variant type: single nucleotide variant.
Coding change: c.652G>A on transcript NM_004706.4 (MANE Select); coding-DNA position 652, G replaced by A.
Protein change: p.Val218Met; replaces valine 218 with methionine.
Molecular consequence: missense variant. On other transcripts: non-coding transcript variant (2).
Genome position (GRCh38, 1-based): chr19:41,894,214, G>A. VCF-style: chr19-41894214-G-A. GRCh37 (hg19) VCF-style: chr19-42398287-G-A.
Other names: c.652G>A, p.Val218Met (NM_001396000.1, NM_001396003.1, NM_001396006.1); c.553G>A, p.Val185Met (NM_001396002.1, NM_001396004.1, NM_198977.2); c.697G>A, p.Val233Met (NM_199002.2); short protein forms V185M, V218M, V233M.
Identifiers: ClinVar variation 2415800 (VCV002415800.6), dbSNP rs149720220, ClinGen allele CA9466018.